The following is an entry in ClinVar:

ClinVar aggregate classification (germline): Uncertain significance. Review status: criteria provided, multiple submitters, no conflicts (2 of 4 stars). 2 submissions from 2 submitters: Uncertain significance (2). Last evaluated 2025-05-18.

Conditions:
Cardiovascular phenotype. Identifiers: MedGen CN230736.
Brugada syndrome 8 (BRGDA8). Identifiers: Orphanet 130, MedGen C2751083, MONDO:0013148, OMIM 613123.

Submissions (2):

Ambry Genetics
Classification: Uncertain significance for Cardiovascular phenotype. Last evaluated: 2025-05-18. Review status: criteria provided, single submitter. Criteria: Ambry Variant Classification Scheme 2023. Collection method: clinical testing. Allele origin: germline.
Comment: The p.S1051C variant (also known as c.3152C>G), located in coding exon 8 of the HCN4 gene, results from a C to G substitution at nucleotide position 3152. The serine at codon 1051 is replaced by cysteine, an amino acid with dissimilar properties. This amino acid position is conserved. In addition, the in silico prediction for this alteration is inconclusive. Based on the available evidence, the clinical significance of this variant remains unclear.

Labcorp Genetics (formerly Invitae), Labcorp
Classification: Uncertain significance for Brugada syndrome 8. Last evaluated: 2021-04-10. Review status: criteria provided, single submitter. Criteria: Invitae Variant Classification Sherloc (09022015). Collection method: clinical testing. Allele origin: germline.
Comment: This sequence change replaces serine with cysteine at codon 1051 of the HCN4 protein (p.Ser1051Cys). The serine residue is highly conserved and there is a moderate physicochemical difference between serine and cysteine. The frequency data for this variant in the population databases is considered unreliable, as metrics indicate insufficient coverage at this position in the ExAC database. This variant has not been reported in the literature in individuals with HCN4-related conditions. Advanced modeling of protein sequence and biophysical properties (such as structural, functional, and spatial information, amino acid conservation, physicochemical variation, residue mobility, and thermodynamic stability) performed at Invitae indicates that this missense variant is not expected to disrupt HCN4 protein function. In summary, the available evidence is currently insufficient to determine the role of this variant in disease. Therefore, it has been classified as a Variant of Uncertain Significance.

NM_005477.3(HCN4):c.3152C>G (p.Ser1051Cys)

Gene: HCN4 (hyperpolarization activated cyclic nucleotide gated potassium channel 4; minus strand). Cytogenetic location: 15q24.1.
Variant type: single nucleotide variant.
Coding change: c.3152C>G on transcript NM_005477.3 (MANE Select); coding-DNA position 3152, C replaced by G.
Protein change: p.Ser1051Cys; replaces serine 1051 with cysteine.
Molecular consequence: missense variant.
Genome position (GRCh38, 1-based): chr15:73,322,941, G>C on the plus strand (C>G on the coding strand, the complement: HCN4 is on the minus strand). VCF-style: chr15-73322941-G-C. GRCh37 (hg19) VCF-style: chr15-73615282-G-C.
Other names: c.3152C>G (NM_005477.2); short protein forms S1051C.
Identifiers: ClinVar variation 1475072 (VCV001475072.9), dbSNP rs2151214067, ClinGen allele CA393086113.
Genomic context (GRCh38, chr15:73,322,941, plus strand): 5'-GTGCCCCGGCGCTGGGGGACCTGGGGTGGTGGGGGGCTGGATGCAGGTGGCAGGAGCAAG[G>C]ATCCGTGGGAGCCAGAGGCCCGGGGCGGGGCACTCGGGAAGGTTCTTGGGGGGCCTGGGC-3'
Protein context (NP_005468.1, residues 1041-1061): APPRASGSHG[Ser1051Cys]LLLPPASSPP